The following is an entry in ClinVar:

ClinVar aggregate classification (germline): Pathogenic. Review status: reviewed by expert panel (3 of 4 stars). 4 submissions from 4 submitters: Pathogenic (1). 3 of the submissions do not count toward it. Last evaluated 2024-06-25.

Conditions:
Hereditary cancer-predisposing syndrome. Also called: Hereditary neoplastic syndrome; Tumor predisposition; Neoplastic Syndromes, Hereditary; Hereditary Cancer Syndrome. Identifiers: Orphanet 140162, MedGen C0027672, MeSH D009386, MONDO:0015356.
Von Hippel-Lindau syndrome (VHLS). Also called: von Hippel–Lindau syndrome; Von Hippel-Lindau; VHL syndrome. Identifiers: Orphanet 892, MedGen C0019562, MONDO:0008667, OMIM 193300. Disease mechanism: loss of function.

Submissions (4):

ClinGen VHL Variant Curation Expert Panel, ClinGen
Classification: Pathogenic for Von Hippel-Lindau syndrome. Last evaluated: 2024-06-25. Review status: reviewed by expert panel. Criteria: ClinGen VHL VCEP ACMG Specifications VHL V1. Collection method: curation. Allele origin: germline. Inheritance: Autosomal dominant inheritance.
Comment: The NM_000551.3(VHL):c.583C>T (p.Gln195Ter) variant in VHL is a truncating mutation that terminates the VHL protein at position 195, which resides in the second Beta domain (PVS1). A total of 13 probands or families have been identified with this variant, and they have clinical features of VHL (some Type 1, some Type 2A). 11 probands or families were identified in the following PMIDs: 20660572, 8707293, 23298237, 21463266, 9408111, 17661816, 25867206, 17024664. CIViC EIDs are: 5472, 5360, 5691, 8693, 9255, 5097, 6623, 5134. Two additional affected cases were contributed by a commercial laboratory, with VHL phenotypes and one case has segregation data. The case total of 13 equates to moderate evidence (PS4_Moderate). This variant is absent from gnomAD v4.1.0 (PM2_Supporting). In summary, this variant meets the criteria to be classified as Pathogenic for autosomal-dominant von Hippel-Lindau disease (VHL disease) based on the ACMG/AMP criteria applied, as specified by the ClinGen VHL VCEP Version 1.0 (Specifications approval date: 02/26/2024. Variant Approval Date 06/25/2024).

Ambry Genetics
Classification: Pathogenic for Hereditary cancer-predisposing syndrome. Last evaluated: 2025-04-08. Review status: criteria provided, single submitter. Criteria: Ambry Variant Classification Scheme 2023. Collection method: clinical testing. Allele origin: germline. Not counted in ClinVar's aggregate classification.
Comment: The p.Q195* pathogenic mutation (also known as c.583C>T), located in coding exon 3 of the VHL gene, results from a C to T substitution at nucleotide position 583. This alteration occurs at the 3' terminus of theVHL gene, is not expected to trigger nonsense-mediated mRNA decay, and impacts the last 19 amino acids of the protein. However, premature stop codons are typically deleterious in nature and the impacted region is critical for protein function (Ambry internal data). This pathogenic mutation has been reported in numerous families diagnosed with von Hippel-Lindau (VHL) syndrome (Crossey PA et al. Hum Mol Genet. 1994 Aug;3(8):1303-8; Hes FJ et al. Clin Genet. 2007 Aug;72(2):122-9; Losonczy G et al. BMC Med Genet. 2013 Jan 8;14:3). This mutation has also been reported in one individual diagnosed with a nonsyndromic pheochromocytoma (Neumann HP et al. N Engl J Med. 2002 May 9;346(19):1459-66). This variant is considered to be rare based on population cohorts in the Genome Aggregation Database (gnomAD). Note that this alteration is also referred to as c.796C>T in published literature. Based on the supporting evidence, this variant is interpreted as a disease-causing mutation.

Laboratory of Molecular and Cytogenetics, Department of Anatomy, All India Institute of Medical Sciences (AIIMS)
Classification: Pathogenic for Von Hippel-Lindau syndrome. Last evaluated: 2023-06-06. Review status: criteria provided, single submitter. Criteria: ACMG Guidelines, 2015. Collection method: clinical testing. Allele origin: germline. Affected: yes. Not counted in ClinVar's aggregate classification.

CIViC Knowledgebase, Washington University School of Medicine
Classification: Pathogenic for von Hippel-Lindau disease. Review status: criteria provided, single submitter. Criteria: Danos AM et al. (Genome Med 2019). Collection method: curation. Allele origin: germline. Not counted in ClinVar's aggregate classification.
Comment: VHL nonsense variant Q195* (c.583C>T) is pathogenic for Von Hippel Landau Disease. VHL variant Q195* (c.583C>T) introduces an early stop codon resulting in a truncated protein. Loss of function VHL variants have been implicated with pathogenicity for Von Hippel Landau disease (PVS1), and this variant has been observed in patients with symptoms and family history highly characteristic of Von Hippel Landau disease (PP4). The variant does not appear in the gnomAD population database (PM2).

AID18

Literature cited by the submitters: PubMed 23298237 (cited by Ambry Genetics and CIViC Knowledgebase, Washington University School of Medicine); PubMed 17661816 (cited by CIViC Knowledgebase, Washington University School of Medicine); PubMed 17024664 (cited by CIViC Knowledgebase, Washington University School of Medicine); PubMed 20660572 (cited by CIViC Knowledgebase, Washington University School of Medicine); PubMed 7987306 (cited by CIViC Knowledgebase, Washington University School of Medicine); PubMed 8707293 (cited by CIViC Knowledgebase, Washington University School of Medicine); PubMed 12000816 (cited by CIViC Knowledgebase, Washington University School of Medicine); PubMed 26763786 (cited by CIViC Knowledgebase, Washington University School of Medicine); PubMed 25867206 (cited by CIViC Knowledgebase, Washington University School of Medicine).

NM_000551.4(VHL):c.583C>T (p.Gln195Ter)

Genes: VHL (von Hippel-Lindau tumor suppressor; plus strand), LOC107303340 (3p25 von Hippel-Lindau tumor suppressor, E3 ubiquitin protein ligase Alu-mediated recombination region; plus strand). Cytogenetic location: 3p25.3.
Variant type: single nucleotide variant.
Coding change: c.583C>T on transcript NM_000551.4 (MANE Select); coding-DNA position 583, C replaced by T.
Protein change: p.Gln195Ter; replaces glutamine 195 with a stop codon.
Molecular consequence: nonsense. On other transcripts: 3 prime UTR variant (1).
Genome position (GRCh38, 1-based): chr3:10,149,906, C>T. VCF-style: chr3-10149906-C-T. GRCh37 (hg19) VCF-style: chr3-10191590-C-T.
Other names: RS5030825; NM_000551.4(VHL):c.583C>T; p.Gln195Ter; c.460C>T, p.Gln154Ter (NM_198156.3); c.*137C>T (NM_001354723.2); short protein forms Q195*, Q154*.
Identifiers: ClinVar variation 428794 (VCV000428794.12), dbSNP rs5030825, ClinGen allele CA70052558.